The following is an entry in ClinVar:

ClinVar aggregate classification (germline): Likely benign. Review status: criteria provided, multiple submitters, no conflicts (2 of 4 stars). 4 submissions from 4 submitters: Likely benign (4). Last evaluated 2026-07-07.

Conditions:
Rhabdoid tumor predisposition syndrome 2 (RTPS2). Identifiers: Orphanet 231108, Orphanet 69077, MedGen C2750074, MONDO:0013224, OMIM 613325.
Hereditary nonpolyposis colon cancer (HNPCC). Also called: Hereditary nonpolyposis colorectal cancer; Familial nonpolyposis colon cancer; Hereditary Nonpolyposis Colorectal Cancer Syndrome. Identifiers: Orphanet 443909, MedGen C1333990, MONDO:0018630. Disease mechanism: loss of function.

Allele frequency attached by ClinVar (database versions not stated): gnomAD 0.00001.
gnomAD v4.1: 6 of 1,613,874 alleles (0.00037%); highest among the groups gnomAD compares: Non-Finnish European, 0.00051%; no homozygotes.

Submissions (4):

Myriad Genetics, Inc.
Classification: Likely benign for Rhabdoid tumor predisposition syndrome 2. Last evaluated: 2026-07-07. Review status: criteria provided, single submitter. Criteria: Myriad Autosomal Dominant, Autosomal Recessive and X-Linked Classification Criteria (2023). Collection method: clinical testing. Allele origin: unknown.
Comment: This variant is considered likely benign. This variant is intronic and is not expected to impact mRNA splicing.

Labcorp Genetics (formerly Invitae), Labcorp
Classification: Likely benign for Rhabdoid tumor predisposition syndrome 2. Last evaluated: 2025-11-05. Review status: criteria provided, single submitter. Criteria: Invitae Variant Classification Sherloc (09022015). Collection method: clinical testing. Allele origin: germline.

Quest Diagnostics Nichols Institute San Juan Capistrano
Classification: Likely benign. Last evaluated: 2025-09-04. Review status: criteria provided, single submitter. Criteria: Quest Diagnostics criteria. Collection method: clinical testing. Allele origin: unknown.

Department of Pathology and Laboratory Medicine, Sinai Health System
Classification: Likely benign for hereditary nonpolyposis colon cancer. Last evaluated: 2024-06-13. Review status: criteria provided, single submitter. Criteria: ACMG Guidelines, 2015. Collection method: clinical testing. Allele origin: germline.

NM_003072.5(SMARCA4):c.2124-7C>T

Gene: SMARCA4 (SWI/SNF related BAF chromatin remodeling complex subunit ATPase 4; plus strand). Cytogenetic location: 19p13.2.
Variant type: single nucleotide variant.
Coding change: c.2124-7C>T on transcript NM_003072.5 (MANE Select); 7 bases into the intron before coding-DNA position 2124, C replaced by T.
Molecular consequence: intron variant.
Genome position (GRCh38, 1-based): chr19:11,010,374, C>T. VCF-style: chr19-11010374-C-T. GRCh37 (hg19) VCF-style: chr19-11121050-C-T.
Other names: c.2124-7C>T (NM_001128844.3, NM_001128849.3, NM_001128847.4 and 6 more transcripts).
Identifiers: ClinVar variation 470285 (VCV000470285.11), dbSNP rs1327774042, ClinGen allele CA631756509.